The following is an entry in ClinVar:

ClinVar aggregate classification (germline): Uncertain significance (1 of 4 stars; one submission).

Submission:

Labcorp Genetics (formerly Invitae), Labcorp
Classification: Uncertain significance. Last evaluated: 2021-11-01. Review status: criteria provided, single submitter. Criteria: Invitae Variant Classification Sherloc (09022015). Collection method: clinical testing. Allele origin: germline.
Comment: In summary, the available evidence is currently insufficient to determine the role of this variant in disease. Therefore, it has been classified as a Variant of Uncertain Significance. Advanced modeling of protein sequence and biophysical properties (such as structural, functional, and spatial information, amino acid conservation, physicochemical variation, residue mobility, and thermodynamic stability) performed at Invitae indicates that this missense variant is not expected to disrupt COL11A2 protein function. This variant has not been reported in the literature in individuals affected with COL11A2-related conditions. This variant is not present in population databases (gnomAD no frequency). This sequence change replaces proline, which is neutral and non-polar, with arginine, which is basic and polar, at codon 445 of the COL11A2 protein (p.Pro445Arg).

NM_080680.3(COL11A2):c.1334C>G (p.Pro445Arg)

Gene: COL11A2 (collagen type XI alpha 2 chain; minus strand). Cytogenetic location: 6p21.32.
Variant type: single nucleotide variant.
Coding change: c.1334C>G on transcript NM_080680.3 (MANE Select); coding-DNA position 1334, C replaced by G.
Protein change: p.Pro445Arg; replaces proline 445 with arginine.
Molecular consequence: missense variant.
Genome position (GRCh38, 1-based): chr6:33,180,283, G>C on the plus strand (C>G on the coding strand, the complement: COL11A2 is on the minus strand). VCF-style: chr6-33180283-G-C. GRCh37 (hg19) VCF-style: chr6-33148060-G-C.
Other names: c.1013C>G, p.Pro338Arg (NM_080679.3); c.1076C>G, p.Pro359Arg (NM_080681.3); short protein forms P359R, P445R, P338R.
Identifiers: ClinVar variation 1491654 (VCV001491654.6), dbSNP rs2150584234, ClinGen allele CA363606165.
Genomic context (GRCh38, chr6:33,180,283, plus strand): 5'-CATCAGCATGTTCCAAAACCCAAGAGACAACTCACTGGGAGCATGAGAGATGTGCCAGGA[G>C]GACCAGGAGCCCCATCTGATCCAGGGAGCCCTGCTCGGCCAGGGGGGCCCTGGAGTGGGA-3'
Protein context (NP_542411.2, residues 435-455): GLPGSDGAPG[Pro445Arg]PGTSLMLPFR